The following is an entry in ClinVar:

NM_175929.3(FGF14):c.208+239897_208+239906del

Gene: FGF14 (fibroblast growth factor 14; minus strand). Cytogenetic location: 13q33.1.
Variant type: Deletion.
Coding change: c.208+239897_208+239906del on transcript NM_175929.3 (MANE Plus Clinical); bases 239897 to 239906 of the intron after coding-DNA position 208, 10 bases deleted (TCTTTCTTCA; older notation c.208+239897_208+239906delTCTTTCTTCA).
Molecular consequence: intron variant.
Genome position (GRCh38, 1-based): chr13:102,161,565-102,161,574, TGAAGAAAGA deleted on the plus strand (TCTTTCTTCA on the coding strand, the reverse complement: FGF14 is on the minus strand). VCF-style (leftmost placement, unchanged base first): chr13-102161564-GTGAAGAAAGA-G. GRCh37 (hg19) VCF-style: chr13-102813914-GTGAAGAAAGA-G.
Other names: c.52+239897_52+239906del (NM_001321947.2); c.91+239897_91+239906del (NM_001379342.1, NM_001321948.2, NM_001321945.2); c.-60+204871_-60+204880del (NM_001321946.2, NM_001321949.1); c.13+59123_13+59132del (NM_001321938.2, NM_001321940.1, NM_001321933.1); c.208+239897_208+239906del (NM_001321939.2, NM_001321937.2); c.7+132400_7+132409del (NM_001321941.2); c.4+31463_4+31472del (NM_001321944.1, NM_001321936.1, NM_001321932.1); c.-60+44293_-60+44302del (NM_001321943.1); and 4 more.
Identifiers: ClinVar variation 4822657 (VCV004822657.4).

ClinVar aggregate classification (germline): Likely benign (1 of 4 stars; one submission).

Submission:

CeGaT Center for Human Genetics Tuebingen
Classification: Likely benign. Last evaluated: 2026-01-01. Review status: criteria provided, single submitter. Criteria: CeGaT Center For Human Genetics Tuebingen Variant Classification Criteria Version 2. Collection method: clinical testing. Allele origin: germline. Affected: yes. Observed: 1 variant allele.
Comment: FGF14: BS2